The following is an entry in ClinVar:

NM_002755.4(MAP2K1):c.156C>T (p.Ala52=)

Gene: MAP2K1 (mitogen-activated protein kinase kinase 1; plus strand). Cytogenetic location: 15q22.31.
Variant type: single nucleotide variant.
Coding change: c.156C>T on transcript NM_002755.4 (MANE Select); coding-DNA position 156, C replaced by T.
Protein change: p.Ala52=; no amino-acid change (alanine 52 retained).
Molecular consequence: synonymous variant.
Genome position (GRCh38, 1-based): chr15:66,435,102, C>T. VCF-style: chr15-66435102-C-T. GRCh37 (hg19) VCF-style: chr15-66727440-C-T.
Other names: p.A52A.
Identifiers: ClinVar variation 40778 (VCV000040778.19), dbSNP rs147489724, ClinGen allele CA176700.

ClinVar aggregate classification (germline): Benign/Likely benign. Review status: criteria provided, multiple submitters, no conflicts (2 of 4 stars). 4 submissions from 4 submitters: Benign (1); Likely benign (3). Last evaluated 2025-12-15.

Conditions:
Cardiovascular phenotype. Identifiers: MedGen CN230736.
RASopathy. Also called: rasopathies; Noonan spectrum disorder. Identifiers: Orphanet 536391, MedGen C5555857, MONDO:0021060.

Allele frequency attached by ClinVar (database versions not stated): gnomAD 0.00003 and 0.00002; TOPMed 0.00003; ESP Exome Variant Server 0.00015; ExAC 0.00001; gnomAD exomes 0.00001.
gnomAD v4.1: 13 of 1,613,998 alleles (0.00081%); highest among the groups gnomAD compares: Non-Finnish European, 0.00093%; no homozygotes.

Submissions (4):

Labcorp Genetics (formerly Invitae), Labcorp
Classification: Likely benign for RASopathy. Last evaluated: 2025-12-15. Review status: criteria provided, single submitter. Criteria: Invitae Variant Classification Sherloc (09022015). Collection method: clinical testing. Allele origin: germline.

Ambry Genetics
Classification: Likely benign for Cardiovascular phenotype. Last evaluated: 2023-05-15. Review status: criteria provided, single submitter. Criteria: Ambry Variant Classification Scheme 2023. Collection method: clinical testing. Allele origin: germline.

GeneDx
Classification: Benign. Last evaluated: 2015-03-03. Review status: criteria provided, single submitter. Criteria: GeneDx Variant Classification Process June 2021. Collection method: clinical testing. Allele origin: germline. Affected: yes.

Laboratory for Molecular Medicine, Mass General Brigham Personalized Medicine
Classification: Likely benign. Last evaluated: 2012-03-19. Review status: criteria provided, single submitter. Criteria: LMM Criteria. Collection method: clinical testing. Allele origin: germline. Observed: 1 variant allele.
Comment: Ala52Ala in exon 02 of MAP2K1: This variant is not expected to have clinical sig nificance because it does not alter an amino acid residue, is not located within the splice consensus sequence. It has been identified in 2/7020 European Americ an chromosomes from a broad population by the NHLBI Exome Sequencing Project (dbSNP rs147489724).